The following is an entry in ClinVar:

NM_016180.5(SLC45A2):c.364A>C (p.Asn122His)

Gene: SLC45A2 (solute carrier family 45 member 2; minus strand). Cytogenetic location: 5p13.2.
Variant type: single nucleotide variant.
Coding change: c.364A>C on transcript NM_016180.5 (MANE Select); coding-DNA position 364, A replaced by C.
Protein change: p.Asn122His; replaces asparagine 122 with histidine.
Molecular consequence: missense variant.
Genome position (GRCh38, 1-based): chr5:33,984,220, T>G on the plus strand (A>C on the coding strand, the complement: SLC45A2 is on the minus strand). VCF-style: chr5-33984220-T-G. GRCh37 (hg19) VCF-style: chr5-33984325-T-G.
Other names: c.364A>C, p.Asn122His (NM_001012509.4, NM_001297417.4); short protein forms N122H.
Identifiers: ClinVar variation 4887281 (VCV004887281.1).

ClinVar aggregate classification (germline): Uncertain significance (1 of 4 stars; one submission).

Submission:

Women's Health and Genetics/Laboratory Corporation of America, LabCorp
Classification: Uncertain significance. Last evaluated: 2026-06-29. Review status: criteria provided, single submitter. Criteria: LabCorp Variant Classification Summary - May 2015. Collection method: clinical testing. Allele origin: germline.
Comment: Variant summary: SLC45A2 c.364A>C (p.Asn122His) results in a conservative amino acid change in the encoded protein sequence. Algorithms developed to predict the effect of missense changes on protein structure and function are either unavailable or do not agree on the potential impact of this missense change. The variant was absent in 250536 control chromosomes. The available data on variant occurrences in the general population are insufficient to allow any conclusion about variant significance. To our knowledge, no occurrence of c.364A>C in individuals affected with SLC45A2-related conditions and no experimental evidence demonstrating its impact on protein function have been reported. No submitters have cited clinical-significance assessments for this variant to ClinVar. Based on the evidence outlined above, the variant was classified as uncertain significance.